The following is an entry in ClinVar:

NM_013436.5(NCKAP1):c.3067G>A (p.Glu1023Lys)

Gene: NCKAP1 (NCK associated protein 1; minus strand). Cytogenetic location: 2q32.1.
Variant type: single nucleotide variant.
Coding change: c.3067G>A on transcript NM_013436.5 (MANE Select); coding-DNA position 3067, G replaced by A.
Protein change: p.Glu1023Lys; replaces glutamic acid 1023 with lysine.
Molecular consequence: missense variant.
Genome position (GRCh38, 1-based): chr2:182,928,786, C>T on the plus strand (G>A on the coding strand, the complement: NCKAP1 is on the minus strand). VCF-style: chr2-182928786-C-T. GRCh37 (hg19) VCF-style: chr2-183793514-C-T.
Other names: c.3061G>A, p.Glu1021Lys (NM_001437266.1); c.3079G>A, p.Glu1027Lys (NM_001437267.1); c.3085G>A, p.Glu1029Lys (NM_205842.3); short protein forms E1027K, E1021K, E1023K, E1029K.
Identifiers: ClinVar variation 4977832 (VCV004977832.1).

ClinVar aggregate classification (germline): Uncertain significance (1 of 4 stars; one submission).

Conditions:
NCKAP1-related disorder. Also called: NCKAP1-related condition.

Submission:

PreventionGenetics, part of Exact Sciences
Classification: Uncertain significance for NCKAP1-related condition. Last evaluated: 2026-03-17. Review status: criteria provided, single submitter. Criteria: ACMG Guidelines, 2015. Collection method: clinical testing. Allele origin: germline.
Comment: The NCKAP1 c.3085G>A variant is predicted to result in the amino acid substitution p.Glu1029Lys. To our knowledge, this variant has not been reported in the literature or in a large population database (gnomAD), indicating this variant is rare. At this time, the clinical significance of this variant is uncertain due to the absence of conclusive functional and genetic evidence.